The following is an entry in ClinVar:

NM_001379500.1(COL18A1):c.3044_3062del (p.Pro1015fs)

Genes: COL18A1 (collagen type XVIII alpha 1 chain; plus strand), SLC19A1 (solute carrier family 19 member 1; minus strand). Cytogenetic location: 21q22.3.
Variant type: Deletion.
Coding change: c.3044_3062del on transcript NM_001379500.1 (MANE Select); coding-DNA positions 3044 to 3062, 19 bases deleted (CTGGGCCCCCTGGGCCCCC).
Protein change: p.Pro1015fs; shifts the reading frame from proline 1015.
Molecular consequence: frameshift variant.
Genome position (GRCh38, 1-based): chr21:45,505,388-45,505,406, CTGGGCCCCCTGGGCCCCC deleted; deleting any 19 consecutive bases within chr21:45,505,380-45,505,406 gives the same sequence; the c. name uses the placement nearest the transcript's 3' end. VCF-style (leftmost placement, unchanged base first): chr21-45505379-CGGGCCCCCCTGGGCCCCCT-C. GRCh37 (hg19) VCF-style: chr21-46925293-CGGGCCCCCCTGGGCCCCCT-C.
Other names: c.3575_3593del, p.Pro1192fs (NM_030582.4); c.4280_4298del, p.Pro1427fs (NM_130444.3); c.3044_3062del19 (NM_001379500.1); short protein forms P1427fs, P1015fs, P1192fs.
Identifiers: ClinVar variation 1417839 (VCV001417839.9), dbSNP rs1365450066, ClinGen allele CA638168050.
Genomic context (GRCh38, chr21:45,505,379, plus strand): 5'-GTGTGGCTTCGTGTTCCCACCTTGGTTTCTCTCCTGCAGCTATCAGCGTTCCCGGCCCTC[CGGGCCCCCCTGGGCCCCCT>C]GGGCCCCCTGGAACCATGGGCGCCTCCTCAGGGGTAAGTGTCTGGGCAGCCGGCTGGGCA-3'

ClinVar aggregate classification (germline): Pathogenic/Likely pathogenic. Review status: criteria provided, multiple submitters, no conflicts (2 of 4 stars). 3 submissions from 3 submitters: Pathogenic (2); Likely pathogenic (1). Last evaluated 2024-03-04.

Conditions:
COL18A1-related disorder. Also called: COL18A1-related disorders; COL18A1-related condition.
Knobloch syndrome 1 (KNO1). Identifiers: MedGen C4551775, MONDO:0800167, OMIM 267750.

Submissions (3):

Women's Health and Genetics/Laboratory Corporation of America, LabCorp
Classification: Pathogenic for Knobloch syndrome 1. Last evaluated: 2024-03-04. Review status: criteria provided, single submitter. Criteria: LabCorp Variant Classification Summary - May 2015. Collection method: clinical testing. Allele origin: germline.
Comment: Variant summary: COL18A1 c.3044_3062del19 (p.Pro1015LeufsX10) results in a premature termination codon, predicted to cause absence of the protein due to nonsense mediated decay, which is a commonly known mechanism for disease. The variant allele was found at a frequency of 1.7e-05 in 238464 control chromosomes (gnomAD). To our knowledge, no occurrence of c.3044_3062del19 in individuals affected with Knobloch Syndrome 1 and no experimental evidence demonstrating its impact on protein function have been reported. ClinVar contains an entry for this variant (Variation ID: 1417839). Based on the evidence outlined above, the variant was classified as pathogenic.

Labcorp Genetics (formerly Invitae), Labcorp
Classification: Pathogenic. Last evaluated: 2023-08-10. Review status: criteria provided, single submitter. Criteria: Invitae Variant Classification Sherloc (09022015). Collection method: clinical testing. Allele origin: germline.
Comment: This variant has not been reported in the literature in individuals affected with COL18A1-related conditions. This variant is present in population databases (no rsID available, gnomAD 0.003%). This sequence change creates a premature translational stop signal (p.Pro1012Leufs*10) in the COL18A1 gene. It is expected to result in an absent or disrupted protein product. Loss-of-function variants in COL18A1 are known to be pathogenic (PMID: 12415512, 25456301). ClinVar contains an entry for this variant (Variation ID: 1417839). For these reasons, this variant has been classified as Pathogenic.

Blueprint Genetics
Classification: Likely pathogenic for COL18A1-related disorders. Last evaluated: 2023-03-27. Review status: criteria provided, single submitter. Criteria: ACMG Guidelines, 2015. Collection method: clinical testing. Allele origin: germline. Affected: yes. Observed: 3 variant alleles.

Literature cited by the submitters: PubMed 12415512 (cited by Labcorp Genetics (formerly Invitae), Labcorp); PubMed 25456301 (cited by Labcorp Genetics (formerly Invitae), Labcorp).